The following is an entry in ClinVar:

ClinVar aggregate classification (germline): Uncertain significance. Review status: criteria provided, multiple submitters, no conflicts (2 of 4 stars). 2 submissions from 2 submitters: Uncertain significance (2). Last evaluated 2024-06-14.

Conditions:
Microcephaly, normal intelligence and immunodeficiency (NBS). Also called: SEEMANOVA SYNDROME II; Immunodeficiency, microcephaly with normal intelligence; Nijmegen breakage syndrome; Microcephaly with normal intelligence immunodeficiency and lymphoreticular malignancies; Nonsyndromal microcephaly autosomal recessive with normal intelligence; Seemanova syndrome 2. Identifiers: Orphanet 647, MedGen C0398791, MONDO:0009623, OMIM 251260.
Acute lymphoid leukemia (ALL). Also called: Leukemia, acute lymphoblastic, somatic; Lymphoblastic leukemia; Acute lymphoblastic leukemia; Acute lymphocytic leukemia. Identifiers: Orphanet 513, MedGen C0023449, MONDO:0004967, OMIM 613065, HP:0006721.
Aplastic anemia. Identifiers: Orphanet 182040, Orphanet 88, MedGen C0002874, MONDO:0015909, OMIM 609135, HP:0001915.

Submissions (2):

Fulgent Genetics
Classification: Uncertain significance for Microcephaly, normal intelligence and immunodeficiency; Aplastic anemia; Acute lymphoid leukemia. Last evaluated: 2024-06-14. Review status: criteria provided, single submitter. Criteria: ACMG Guidelines, 2015. Collection method: clinical testing. Allele origin: germline.

Labcorp Genetics (formerly Invitae), Labcorp
Classification: Uncertain significance for Microcephaly, normal intelligence and immunodeficiency. Last evaluated: 2022-04-22. Review status: criteria provided, single submitter. Criteria: Invitae Variant Classification Sherloc (09022015). Collection method: clinical testing. Allele origin: germline.
Comment: This sequence change replaces aspartic acid, which is acidic and polar, with tyrosine, which is neutral and polar, at codon 38 of the NBN protein (p.Asp38Tyr). This variant is not present in population databases (gnomAD no frequency). This variant has not been reported in the literature in individuals affected with NBN-related conditions. Algorithms developed to predict the effect of missense changes on protein structure and function are either unavailable or do not agree on the potential impact of this missense change (SIFT: "Deleterious"; PolyPhen-2: "Probably Damaging"; Align-GVGD: "Class C0"). In summary, the available evidence is currently insufficient to determine the role of this variant in disease. Therefore, it has been classified as a Variant of Uncertain Significance.

NM_002485.5(NBN):c.112G>T (p.Asp38Tyr)

Gene: NBN (nibrin; minus strand). Cytogenetic location: 8q21.3.
Variant type: single nucleotide variant.
Coding change: c.112G>T on transcript NM_002485.5 (MANE Select); coding-DNA position 112, G replaced by T.
Protein change: p.Asp38Tyr; replaces aspartic acid 38 with tyrosine.
Molecular consequence: missense variant. On other transcripts: 5 prime UTR variant (1).
Genome position (GRCh38, 1-based): chr8:89,982,781, C>A on the plus strand (G>T on the coding strand, the complement: NBN is on the minus strand). VCF-style: chr8-89982781-C-A. GRCh37 (hg19) VCF-style: chr8-90995009-C-A.
Other names: c.-185G>T (NM_001024688.3); short protein forms D38Y.
Identifiers: ClinVar variation 2175421 (VCV002175421.2), dbSNP rs876659565, ClinGen allele CA371663183.
Genomic context (GRCh38, chr8:89,982,781, plus strand): 5'-CCAGGTTGGTTACAGAAAAGTTAGCAGTTAACACAGCATGATTTCGGCTGATCGACTGAT[C>A]ATTTTCAATCAGAATGGCACAGTTTTTCCTTCCAACAACGTACTCAACGCCAGTCAAAAG-3'
Protein context (NP_002476.2, residues 28-48): RKNCAILIEN[Asp38Tyr]QSISRNHAVL